The following is an entry in ClinVar:

NM_000059.4(BRCA2):c.2906A>G (p.Gln969Arg)

Gene: BRCA2 (BRCA2 DNA repair associated; plus strand). Cytogenetic location: 13q13.1.
Variant type: single nucleotide variant.
Coding change: c.2906A>G on transcript NM_000059.4 (MANE Select); coding-DNA position 2906, A replaced by G.
Protein change: p.Gln969Arg; replaces glutamine 969 with arginine.
Molecular consequence: missense variant.
Genome position (GRCh38, 1-based): chr13:32,337,261, A>G. VCF-style: chr13-32337261-A-G. GRCh37 (hg19) VCF-style: chr13-32911398-A-G.
Other names: short protein forms Q969R.
Identifiers: ClinVar variation 491228 (VCV000491228.7), dbSNP rs1555282933, ClinGen allele CA387774180.

ClinVar aggregate classification (germline): Conflicting classifications of pathogenicity. Review status: criteria provided, conflicting classifications (1 of 4 stars). 3 submissions from 3 submitters: Uncertain significance (2); Likely benign (1). Last evaluated 2025-08-31.

Conditions:
Hereditary breast ovarian cancer syndrome. Also called: Hereditary breast and/or ovarian cancer syndrome; BRCA1- and BRCA2-Associated Hereditary Breast and Ovarian Cancer; Breast and ovarian cancer; Hereditary breast and ovarian cancer; Hereditary breast and ovarian cancer syndrome; Hereditary breast and ovarian cancer syndrome (HBOC). Identifiers: Orphanet 145, MedGen C0677776, MeSH D061325, MONDO:0003582. Disease mechanism: loss of function.
Hereditary cancer-predisposing syndrome. Also called: Hereditary neoplastic syndrome; Tumor predisposition; Hereditary Cancer Syndrome; Neoplastic Syndromes, Hereditary. Identifiers: Orphanet 140162, MedGen C0027672, MeSH D009386, MONDO:0015356.

Submissions (3):

Labcorp Genetics (formerly Invitae), Labcorp
Classification: Uncertain significance for Hereditary breast ovarian cancer syndrome. Last evaluated: 2025-08-31. Review status: criteria provided, single submitter. Criteria: Invitae Variant Classification Sherloc (09022015). Collection method: clinical testing. Allele origin: germline.
Comment: This sequence change replaces glutamine, which is neutral and polar, with arginine, which is basic and polar, at codon 969 of the BRCA2 protein (p.Gln969Arg). This variant is not present in population databases (gnomAD no frequency). This variant has not been reported in the literature in individuals affected with BRCA2-related conditions. ClinVar contains an entry for this variant (Variation ID: 491228). Invitae Evidence Modeling of protein sequence and biophysical properties (such as structural, functional, and spatial information, amino acid conservation, physicochemical variation, residue mobility, and thermodynamic stability) indicates that this missense variant is not expected to disrupt BRCA2 protein function with a negative predictive value of 95%. In summary, the available evidence is currently insufficient to determine the role of this variant in disease. Therefore, it has been classified as a Variant of Uncertain Significance.

University of Washington Department of Laboratory Medicine, University of Washington
Classification: Likely benign for Hereditary cancer-predisposing syndrome. Last evaluated: 2023-03-23. Review status: criteria provided, single submitter. Criteria: Dines et al. (Genet Med. 2020). Collection method: curation. Allele origin: germline.
Comment: Missense variant in a coldspot region where missense variants are very unlikely to be pathogenic (PMID:31911673).

BRCA2 exon 11 coldspot. Reclassification based on statistical prior probability.

Color Diagnostics, LLC DBA Color Health
Classification: Uncertain significance for Hereditary cancer-predisposing syndrome. Last evaluated: 2019-06-28. Review status: criteria provided, single submitter. Criteria: ACMG Guidelines, 2015. Collection method: clinical testing. Allele origin: germline.